The following is an entry in ClinVar:

NM_001174089.2(SLC4A11):c.1188C>T (p.Ala396=)

Gene: SLC4A11 (solute carrier family 4 member 11; minus strand). Cytogenetic location: 20p13.
Variant type: single nucleotide variant.
Coding change: c.1188C>T on transcript NM_001174089.2 (MANE Select); coding-DNA position 1188, C replaced by T.
Protein change: p.Ala396=; no amino-acid change (alanine 396 retained).
Molecular consequence: synonymous variant. On other transcripts: non-coding transcript variant (1), intron variant (1).
Genome position (GRCh38, 1-based): chr20:3,230,826, G>A on the plus strand (C>T on the coding strand, the complement: SLC4A11 is on the minus strand). VCF-style: chr20-3230826-G-A. GRCh37 (hg19) VCF-style: chr20-3211472-G-A.
Other names: c.1317C>T, p.Ala439= (NM_001174090.2); c.1236C>T, p.Ala412= (NM_032034.4); c.1168+107C>T (NM_001363745.2).
Identifiers: ClinVar variation 754592 (VCV000754592.13), dbSNP rs780280857, ClinGen allele CA9741950.

ClinVar aggregate classification (germline): Likely benign. Review status: criteria provided, single submitter (1 of 4 stars). 3 submissions from 3 submitters: Likely benign (1). 2 of the submissions do not count toward it. Last evaluated 2025-12-22.

Conditions:
SLC4A11-related disorder. Also called: SLC4A11-related condition.
Corneal dystrophy-perceptive deafness syndrome (CDPD). Also called: CORNEAL DYSTROPHY AND SENSORINEURAL DEAFNESS; HARBOYAN SYNDROME. Identifiers: Orphanet 1490, MedGen C1857572, MONDO:0009015, OMIM 217400.

Allele frequency attached by ClinVar (database versions not stated): ExAC 0.00001; gnomAD 0.00001; TOPMed 0.00001; gnomAD exomes 0.00002.
gnomAD v4.1: 37 of 1,613,244 alleles (0.0023%); highest among the groups gnomAD compares: East Asian, 0.0067%; no homozygotes.

Submissions (3):

Labcorp Genetics (formerly Invitae), Labcorp
Classification: Likely benign. Last evaluated: 2025-12-22. Review status: criteria provided, single submitter. Criteria: Invitae Variant Classification Sherloc (09022015). Collection method: clinical testing. Allele origin: germline.

Natera, Inc.
Classification: Likely benign for Corneal dystrophy-perceptive deafness syndrome. Last evaluated: 2020-08-09. Review status: no assertion criteria provided. Collection method: clinical testing. Allele origin: germline. Not counted in ClinVar's aggregate classification.

PreventionGenetics, part of Exact Sciences
Classification: Likely benign for SLC4A11-related condition. Last evaluated: 2019-09-12. Review status: no assertion criteria provided. Collection method: clinical testing. Allele origin: germline. Not counted in ClinVar's aggregate classification.
Comment: This variant is classified as likely benign based on ACMG/AMP sequence variant interpretation guidelines (Richards et al. 2015 PMID: 25741868, with internal and published modifications).